The following is an entry in ClinVar:

NM_005458.8(GABBR2):c.1424G>T (p.Arg475Leu)

Gene: GABBR2 (gamma-aminobutyric acid type B receptor subunit 2; minus strand). Cytogenetic location: 9q22.33.
Variant type: single nucleotide variant.
Coding change: c.1424G>T on transcript NM_005458.8 (MANE Select); coding-DNA position 1424, G replaced by T.
Protein change: p.Arg475Leu; replaces arginine 475 with leucine.
Molecular consequence: missense variant.
Genome position (GRCh38, 1-based): chr9:98,388,959, C>A on the plus strand (G>T on the coding strand, the complement: GABBR2 is on the minus strand). VCF-style: chr9-98388959-C-A. GRCh37 (hg19) VCF-style: chr9-101151241-C-A.
Other names: short protein forms R475L.
Identifiers: ClinVar variation 2824933 (VCV002824933.3), dbSNP rs762426467, ClinGen allele CA374211781.

ClinVar aggregate classification (germline): Uncertain significance (1 of 4 stars; one submission).

Conditions:
Epileptic encephalopathy. Identifiers: MedGen C0543888, HP:0200134.

Submission:

Labcorp Genetics (formerly Invitae), Labcorp
Classification: Uncertain significance for Epileptic encephalopathy. Last evaluated: 2023-01-07. Review status: criteria provided, single submitter. Criteria: Invitae Variant Classification Sherloc (09022015). Collection method: clinical testing. Allele origin: germline.
Comment: In summary, the available evidence is currently insufficient to determine the role of this variant in disease. Therefore, it has been classified as a Variant of Uncertain Significance. Advanced modeling of protein sequence and biophysical properties (such as structural, functional, and spatial information, amino acid conservation, physicochemical variation, residue mobility, and thermodynamic stability) performed at Invitae indicates that this missense variant is not expected to disrupt GABBR2 protein function. This variant has not been reported in the literature in individuals affected with GABBR2-related conditions. This variant is not present in population databases (gnomAD no frequency). This sequence change replaces arginine, which is basic and polar, with leucine, which is neutral and non-polar, at codon 475 of the GABBR2 protein (p.Arg475Leu).